The following is an entry in ClinVar:

NM_003884.5(KAT2B):c.2137C>A (p.Pro713Thr)

Gene: KAT2B (lysine acetyltransferase 2B; plus strand). Cytogenetic location: 3p24.3.
Variant type: single nucleotide variant.
Coding change: c.2137C>A on transcript NM_003884.5 (MANE Select); coding-DNA position 2137, C replaced by A.
Protein change: p.Pro713Thr; replaces proline 713 with threonine.
Molecular consequence: missense variant.
Genome position (GRCh38, 1-based): chr3:20,147,980, C>A. VCF-style: chr3-20147980-C-A. GRCh37 (hg19) VCF-style: chr3-20189472-C-A.
Other names: short protein forms P713T.
Identifiers: ClinVar variation 782807 (VCV000782807.7), dbSNP rs148960024, ClinGen allele CA2284832.

ClinVar aggregate classification (germline): Benign. Review status: criteria provided, multiple submitters, no conflicts (2 of 4 stars). 3 submissions from 3 submitters: Benign (2). 1 of the submissions does not count toward it. Last evaluated 2019-12-31.

Conditions:
KAT2B-related disorder. Also called: KAT2B-related condition.

Allele frequency attached by ClinVar (database versions not stated): gnomAD exomes 0.00859; ESP Exome Variant Server 0.00238; 1000 Genomes Project 30x 0.00375; 1000 Genomes Project 0.00419; gnomAD 0.00626 and 0.00621; ExAC 0.00766; TOPMed 0.00509.
gnomAD v4.1: 7,957 of 1,613,320 alleles (0.49%); highest among the groups gnomAD compares: Admixed American, 2%; 74 homozygotes.

Submissions (3):

Labcorp Genetics (formerly Invitae), Labcorp
Classification: Benign. Last evaluated: 2019-12-31. Review status: criteria provided, single submitter. Criteria: Invitae Variant Classification Sherloc (09022015). Collection method: clinical testing. Allele origin: germline.

Breakthrough Genomics
Classification: Benign. Review status: criteria provided, single submitter. Criteria: ACMG Guidelines, 2015. Collection method: not provided. Allele origin: germline. Inheritance: Unknown mechanism. Affected: yes.

PreventionGenetics, part of Exact Sciences
Classification: Benign for KAT2B-related condition. Last evaluated: 2020-08-21. Review status: no assertion criteria provided. Collection method: clinical testing. Allele origin: germline. Not counted in ClinVar's aggregate classification.
Comment: This variant is classified as benign based on ACMG/AMP sequence variant interpretation guidelines (Richards et al. 2015 PMID: 25741868, with internal and published modifications).